The following is an entry in ClinVar:

ClinVar aggregate classification (germline): Uncertain significance (1 of 4 stars; one submission).

Conditions:
Cognitive impairment - coarse facies - heart defects - obesity - pulmonary involvement - short stature - skeletal dysplasia syndrome. Also called: AFF4-Related CHOPS Syndrome; COGNITIVE IMPAIRMENT, COARSE FACIES, HEART DEFECTS, OBESITY, PULMONARY INVOLVEMENT, SHORT STATURE, AND SKELETAL DYSPLASIA; Chops syndrome. Identifiers: Orphanet 444077, MedGen C4085597, MONDO:0014609, OMIM 616368.

Submission:

Labcorp Genetics (formerly Invitae), Labcorp
Classification: Uncertain significance for Cognitive impairment - coarse facies - heart defects - obesity - pulmonary involvement - short stature - skeletal dysplasia syndrome. Last evaluated: 2023-09-06. Review status: criteria provided, single submitter. Criteria: Invitae Variant Classification Sherloc (09022015). Collection method: clinical testing. Allele origin: germline.
Comment: In summary, the available evidence is currently insufficient to determine the role of this variant in disease. Therefore, it has been classified as a Variant of Uncertain Significance. This sequence change replaces glutamic acid, which is acidic and polar, with glycine, which is neutral and non-polar, at codon 616 of the AFF4 protein (p.Glu616Gly). This variant is not present in population databases (gnomAD no frequency). This variant has not been reported in the literature in individuals affected with AFF4-related conditions. Advanced modeling of protein sequence and biophysical properties (such as structural, functional, and spatial information, amino acid conservation, physicochemical variation, residue mobility, and thermodynamic stability) performed at Invitae indicates that this missense variant is not expected to disrupt AFF4 protein function.

NM_014423.4(AFF4):c.1847A>G (p.Glu616Gly)

Gene: AFF4 (ALF transcription elongation factor 4; minus strand). Cytogenetic location: 5q31.1.
Variant type: single nucleotide variant.
Coding change: c.1847A>G on transcript NM_014423.4 (MANE Select); coding-DNA position 1847, A replaced by G.
Protein change: p.Glu616Gly; replaces glutamic acid 616 with glycine.
Molecular consequence: missense variant.
Genome position (GRCh38, 1-based): chr5:132,896,783, T>C on the plus strand (A>G on the coding strand, the complement: AFF4 is on the minus strand). VCF-style: chr5-132896783-T-C. GRCh37 (hg19) VCF-style: chr5-132232475-T-C.
Other names: short protein forms E616G.
Identifiers: ClinVar variation 2756287 (VCV002756287.3), dbSNP rs2532475010, ClinGen allele CA360936853.
Genomic context (GRCh38, chr5:132,896,783, plus strand): 5'-GATTTACTTGTTGACTTATATTTCTTTTTCTCTGCTGTAGGTCGAGGGGAAGACTTAGAC[T>C]CCTTCTTTATATTGGGTTTCCTTGAGCCTTTGGTGGCTGCTTTGTGTCTGCTGGAGGGCA-3'
Protein context (NP_055238.1, residues 606-626): KGSRKPNIKK[Glu616Gly]SKSSPRPTAE